The following is an entry in ClinVar:

ClinVar aggregate classification (germline): Uncertain significance. Review status: criteria provided, multiple submitters, no conflicts (2 of 4 stars). 2 submissions from 2 submitters: Uncertain significance (2). Last evaluated 2025-06-07.

Conditions:
Inborn genetic diseases. Identifiers: MedGen C0950123, MeSH D030342.

Allele frequency attached by ClinVar (database versions not stated): gnomAD exomes below 0.00001; gnomAD 0.00001; TOPMed 0.00001.
gnomAD v4.1: 7 of 1,609,906 alleles (0.00043%); highest among the groups gnomAD compares: Non-Finnish European, 0.0006%; no homozygotes.

Submissions (2):

Ambry Genetics
Classification: Uncertain significance for Inborn genetic diseases. Last evaluated: 2025-06-07. Review status: criteria provided, single submitter. Criteria: Ambry Variant Classification Scheme 2023. Collection method: clinical testing. Allele origin: germline.

Labcorp Genetics (formerly Invitae), Labcorp
Classification: Uncertain significance. Last evaluated: 2023-03-24. Review status: criteria provided, single submitter. Criteria: Invitae Variant Classification Sherloc (09022015). Collection method: clinical testing. Allele origin: germline.
Comment: This sequence change replaces arginine, which is basic and polar, with glycine, which is neutral and non-polar, at codon 974 of the GUCY2C protein (p.Arg974Gly). This variant is not present in population databases (gnomAD no frequency). This variant has not been reported in the literature in individuals affected with GUCY2C-related conditions. Advanced modeling of protein sequence and biophysical properties (such as structural, functional, and spatial information, amino acid conservation, physicochemical variation, residue mobility, and thermodynamic stability) performed at Invitae indicates that this missense variant is expected to disrupt GUCY2C protein function. In summary, the available evidence is currently insufficient to determine the role of this variant in disease. Therefore, it has been classified as a Variant of Uncertain Significance.

NM_004963.4(GUCY2C):c.2920A>G (p.Arg974Gly)

Genes: GUCY2C (guanylate cyclase 2C; minus strand), PLBD1-AS1 (PLBD1 antisense RNA 1; plus strand). Cytogenetic location: 12p12.3.
Variant type: single nucleotide variant.
Coding change: c.2920A>G on transcript NM_004963.4 (MANE Select); coding-DNA position 2920, A replaced by G.
Protein change: p.Arg974Gly; replaces arginine 974 with glycine.
Molecular consequence: missense variant.
Genome position (GRCh38, 1-based): chr12:14,616,683, T>C on the plus strand (A>G on the coding strand, the complement: GUCY2C is on the minus strand). VCF-style: chr12-14616683-T-C. GRCh37 (hg19) VCF-style: chr12-14769617-T-C.
Other names: c.2920A>G (NM_004963.3); short protein forms R974G.
Identifiers: ClinVar variation 2808988 (VCV002808988.4), dbSNP rs1159572259, ClinGen allele CA383991375.
Genomic context (GRCh38, chr12:14,616,683, plus strand): 5'-GACTCCTTACCTTTAAGTATGTTTCTCCTCTCACTTCATAAAGGAACTGGCACTCAGTTC[T>C]CTTCAGGATGGCTATGGTGGAGCCACTCACGTGAATTCTCAAAGCTGGAAATGCAAATTG-3'
Protein context (NP_004954.2, residues 964-984): VSGSTIAILK[Arg974Gly]TECQFLYEVR